The following is an entry in ClinVar:

NM_001364905.1(LRBA):c.8552G>A (p.Arg2851His)

Gene: LRBA (LPS responsive beige-like anchor protein; minus strand). Cytogenetic location: 4q31.3.
Variant type: single nucleotide variant.
Coding change: c.8552G>A on transcript NM_001364905.1 (MANE Select); coding-DNA position 8552, G replaced by A.
Protein change: p.Arg2851His; replaces arginine 2851 with histidine.
Molecular consequence: missense variant.
Genome position (GRCh38, 1-based): chr4:150,265,729, C>T on the plus strand (G>A on the coding strand, the complement: LRBA is on the minus strand). VCF-style: chr4-150265729-C-T. GRCh37 (hg19) VCF-style: chr4-151186881-C-T.
Other names: c.8549G>A, p.Arg2850His (NM_001199282.3); c.8567G>A, p.Arg2856His (NM_001367550.1); c.8585G>A, p.Arg2862His (NM_006726.5); short protein forms R2850H, R2851H, R2856H, R2862H.
Identifiers: ClinVar variation 1005036 (VCV001005036.7), dbSNP rs112101490, ClinGen allele CA3101303.

ClinVar aggregate classification (germline): Uncertain significance. Review status: criteria provided, multiple submitters, no conflicts (2 of 4 stars). 2 submissions from 2 submitters: Uncertain significance (2). Last evaluated 2025-06-18.

Conditions:
Combined immunodeficiency due to LRBA deficiency. Also called: Common variable immunodeficiency 8, with autoimmunity. Identifiers: Orphanet 445018, MedGen C3553512, MONDO:0013863, OMIM 614700.
Inborn genetic diseases. Identifiers: MedGen C0950123, MeSH D030342.

Allele frequency attached by ClinVar (database versions not stated): gnomAD exomes 0.00002 and 0.00003; TOPMed 0.00002; gnomAD 0.00003; ESP Exome Variant Server 0.00008.
gnomAD v4.1: 58 of 1,608,202 alleles (0.0036%); highest among the groups gnomAD compares: South Asian, 0.0077%; no homozygotes.

Submissions (2):

Ambry Genetics
Classification: Uncertain significance for Inborn genetic diseases. Last evaluated: 2025-06-18. Review status: criteria provided, single submitter. Criteria: Ambry Variant Classification Scheme 2023. Collection method: clinical testing. Allele origin: germline.

Labcorp Genetics (formerly Invitae), Labcorp
Classification: Uncertain significance for Combined immunodeficiency due to LRBA deficiency. Last evaluated: 2022-07-19. Review status: criteria provided, single submitter. Criteria: Invitae Variant Classification Sherloc (09022015). Collection method: clinical testing. Allele origin: germline.
Comment: This sequence change replaces arginine, which is basic and polar, with histidine, which is basic and polar, at codon 2862 of the LRBA protein (p.Arg2862His). This variant is present in population databases (rs112101490, gnomAD 0.004%). This variant has not been reported in the literature in individuals affected with LRBA-related conditions. ClinVar contains an entry for this variant (Variation ID: 1005036). Algorithms developed to predict the effect of missense changes on protein structure and function are either unavailable or do not agree on the potential impact of this missense change (SIFT: "Deleterious"; PolyPhen-2: "Probably Damaging"; Align-GVGD: "Class C0"). In summary, the available evidence is currently insufficient to determine the role of this variant in disease. Therefore, it has been classified as a Variant of Uncertain Significance.